The following is an entry in ClinVar:

ClinVar aggregate classification (germline): Likely benign. Review status: criteria provided, single submitter (1 of 4 stars). 2 submissions from 2 submitters: Likely benign (1). 1 of the submissions does not count toward it. Last evaluated 2025-04-01.

Conditions:
Joubert syndrome. Also called: Familial aplasia of the vermis; JOUBERT-BOLTSHAUSER SYNDROME. Identifiers: Orphanet 475, MedGen C5979921, MONDO:0018772.
Meckel-Gruber syndrome. Also called: DYSENCEPHALIA SPLANCHNOCYSTICA; GRUBER SYNDROME; Dysencephalia splachnocystica. Identifiers: Orphanet 564, MedGen C0265215, MONDO:0018921.
MKS1-related disorder. Also called: MKS1-related condition; MKS1-related disorders. Identifiers: MedGen CN239382.

Allele frequency attached by ClinVar (database versions not stated): gnomAD exomes 0.00001 and 0.00006; TOPMed 0.00007; gnomAD 0.00009.
gnomAD v4.1: 36 of 1,614,050 alleles (0.0022%); highest among the groups gnomAD compares: Admixed American, 0.053%; no homozygotes.

Submissions (2):

Labcorp Genetics (formerly Invitae), Labcorp
Classification: Likely benign for Joubert syndrome; Meckel-Gruber syndrome. Last evaluated: 2025-04-01. Review status: criteria provided, single submitter. Criteria: Invitae Variant Classification Sherloc (09022015). Collection method: clinical testing. Allele origin: germline.

PreventionGenetics, part of Exact Sciences
Classification: Likely benign for MKS1-related condition. Last evaluated: 2021-10-18. Review status: no assertion criteria provided. Collection method: clinical testing. Allele origin: germline. Not counted in ClinVar's aggregate classification.
Comment: This variant is classified as likely benign based on ACMG/AMP sequence variant interpretation guidelines (Richards et al. 2015 PMID: 25741868, with internal and published modifications).

NM_017777.4(MKS1):c.1338G>A (p.Arg446=)

Gene: MKS1 (MKS transition zone complex subunit 1; minus strand). Cytogenetic location: 17q22.
Variant type: single nucleotide variant.
Coding change: c.1338G>A on transcript NM_017777.4 (MANE Select); coding-DNA position 1338, G replaced by A.
Protein change: p.Arg446=; no amino-acid change (arginine 446 retained).
Molecular consequence: synonymous variant. On other transcripts: intron variant (1).
Genome position (GRCh38, 1-based): chr17:58,207,154, C>T on the plus strand (G>A on the coding strand, the complement: MKS1 is on the minus strand). VCF-style: chr17-58207154-C-T. GRCh37 (hg19) VCF-style: chr17-56284515-C-T.
Other names: c.729G>A, p.Arg243= (NM_001321268.2); c.1338G>A, p.Arg446= (NM_001321269.2); c.1273+740G>A (NM_001330397.2).
Identifiers: ClinVar variation 695738 (VCV000695738.16), dbSNP rs1179924577, ClinGen allele CA501026182.
Genomic context (GRCh38, chr17:58,207,154, plus strand): 5'-TCCTGGTATCCGTACATAGGAGAGGTCCTCCAGTTCCAGAGAACCGCCAATGAAAAACCT[C>T]CTCAGCTCAGCCACCGTGCCAAGCTCCACAGGTCTCCACGTGGAGACTGTCAGGGTGTGT-3'
Protein context (NP_060247.2, residues 436-456): PVELGTVAEL[Arg446=]RFFIGGSLEL